The following is an entry in ClinVar:

ClinVar aggregate classification (germline): Uncertain significance (1 of 4 stars; one submission).

Allele frequency attached by ClinVar (database versions not stated): gnomAD exomes 0.00001.
gnomAD v4.1: 5 of 1,614,180 alleles (0.00031%); highest among the groups gnomAD compares: Non-Finnish European, 0.00042%; no homozygotes.

Submission:

GeneDx
Classification: Uncertain significance. Last evaluated: 2022-02-07. Review status: criteria provided, single submitter. Criteria: GeneDx Variant Classification Process June 2021. Collection method: clinical testing. Allele origin: germline. Affected: yes.
Comment: Not observed at significant frequency in large population cohorts (gnomAD); In silico analysis supports that this missense variant does not alter protein structure/function; Has not been previously published as pathogenic or benign to our knowledge

NM_182931.3(KMT2E):c.3571A>C (p.Ser1191Arg)

Gene: KMT2E (lysine methyltransferase 2E (inactive); plus strand). Cytogenetic location: 7q22.3.
Variant type: single nucleotide variant.
Coding change: c.3571A>C on transcript NM_182931.3 (MANE Select); coding-DNA position 3571, A replaced by C.
Protein change: p.Ser1191Arg; replaces serine 1191 with arginine.
Molecular consequence: missense variant.
Genome position (GRCh38, 1-based): chr7:105,109,044, A>C. VCF-style: chr7-105109044-A-C. GRCh37 (hg19) VCF-style: chr7-104749491-A-C.
Other names: c.3571A>C, p.Ser1191Arg (NM_018682.4); short protein forms S1191R.
Identifiers: ClinVar variation 1700378 (VCV001700378.2), dbSNP rs2129570010, ClinGen allele CA368790154.